The following is an entry in ClinVar:

ClinVar aggregate classification (germline): Uncertain significance (1 of 4 stars; one submission).

Conditions:
Epileptic encephalopathy. Identifiers: MedGen C0543888, HP:0200134.

Allele frequency attached by ClinVar (database versions not stated): TOPMed 0.00001.
gnomAD v4.1: 3 of 1,605,854 alleles (0.00019%); highest among the groups gnomAD compares: Admixed American, 0.0017%; no homozygotes.

Submission:

Labcorp Genetics (formerly Invitae), Labcorp
Classification: Uncertain significance for Epileptic encephalopathy. Last evaluated: 2021-12-01. Review status: criteria provided, single submitter. Criteria: Invitae Variant Classification Sherloc (09022015). Collection method: clinical testing. Allele origin: germline.
Comment: Algorithms developed to predict the effect of missense changes on protein structure and function (SIFT, PolyPhen-2, Align-GVGD) all suggest that this variant is likely to be disruptive. ClinVar contains an entry for this variant (Variation ID: 962723). This variant has not been reported in the literature in individuals affected with RYR3-related conditions. The frequency data for this variant in the population databases is considered unreliable, as metrics indicate poor data quality at this position in the gnomAD database. In summary, the available evidence is currently insufficient to determine the role of this variant in disease. Therefore, it has been classified as a Variant of Uncertain Significance. This sequence change replaces proline, which is neutral and non-polar, with glutamine, which is neutral and polar, at codon 1870 of the RYR3 protein (p.Pro1870Gln).

NM_001036.6(RYR3):c.5609C>A (p.Pro1870Gln)

Gene: RYR3 (ryanodine receptor 3; plus strand). Cytogenetic location: 15q14.
Variant type: single nucleotide variant.
Coding change: c.5609C>A on transcript NM_001036.6 (MANE Select); coding-DNA position 5609, C replaced by A.
Protein change: p.Pro1870Gln; replaces proline 1870 with glutamine.
Molecular consequence: missense variant.
Genome position (GRCh38, 1-based): chr15:33,663,727, C>A. VCF-style: chr15-33663727-C-A. GRCh37 (hg19) VCF-style: chr15-33955928-C-A.
Other names: c.5609C>A, p.Pro1870Gln (NM_001243996.4); short protein forms P1870Q.
Identifiers: ClinVar variation 962723 (VCV000962723.7), dbSNP rs753308511, ClinGen allele CA7459293.